The following is an entry in ClinVar:

ClinVar aggregate classification (germline): Uncertain significance (1 of 4 stars; one submission).

Conditions:
Larsen-like syndrome, B3GAT3 type. Also called: Multiple joint dislocations, short stature, craniofacial dysmorphism, with or without congenital heart defects; MULTIPLE JOINT DISLOCATIONS, SHORT STATURE, AND CRANIOFACIAL DYSMORPHISM WITH OR WITHOUT CONGENITAL HEART DEFECTS. Identifiers: Orphanet 284139, MedGen CN034159, MONDO:0009511, OMIM 245600.

gnomAD v4.1: 1 of 1,614,206 alleles (0.000062%); highest among the groups gnomAD compares: Non-Finnish European, 0.000085%; no homozygotes.

Submission:

Labcorp Genetics (formerly Invitae), Labcorp
Classification: Uncertain significance for Larsen-like syndrome, B3GAT3 type. Last evaluated: 2022-06-04. Review status: criteria provided, single submitter. Criteria: Invitae Variant Classification Sherloc (09022015). Collection method: clinical testing. Allele origin: germline.
Comment: This sequence change replaces alanine, which is neutral and non-polar, with valine, which is neutral and non-polar, at codon 242 of the B3GAT3 protein (p.Ala242Val). This variant is not present in population databases (gnomAD no frequency). This variant has not been reported in the literature in individuals affected with B3GAT3-related conditions. Algorithms developed to predict the effect of missense changes on protein structure and function (SIFT, PolyPhen-2, Align-GVGD) all suggest that this variant is likely to be tolerated. Algorithms developed to predict the effect of sequence changes on RNA splicing suggest that this variant may create or strengthen a splice site. In summary, the available evidence is currently insufficient to determine the role of this variant in disease. Therefore, it has been classified as a Variant of Uncertain Significance.

NM_012200.4(B3GAT3):c.725C>T (p.Ala242Val)

Gene: B3GAT3 (beta-1,3-glucuronyltransferase 3; minus strand). Cytogenetic location: 11q12.3.
Variant type: single nucleotide variant.
Coding change: c.725C>T on transcript NM_012200.4 (MANE Select); coding-DNA position 725, C replaced by T.
Protein change: p.Ala242Val; replaces alanine 242 with valine.
Molecular consequence: missense variant. On other transcripts: non-coding transcript variant (1).
Genome position (GRCh38, 1-based): chr11:62,616,690, G>A on the plus strand (C>T on the coding strand, the complement: B3GAT3 is on the minus strand). VCF-style: chr11-62616690-G-A. GRCh37 (hg19) VCF-style: chr11-62384162-G-A.
Other names: c.704C>T, p.Ala235Val (NM_001288721.2); c.725C>T, p.Ala242Val (NM_001288722.2, NM_001288723.2); short protein forms A242V, A235V.
Identifiers: ClinVar variation 2067186 (VCV002067186.4), dbSNP rs1943035042, ClinGen allele CA380975914.
Genomic context (GRCh38, chr11:62,616,690, plus strand): 5'-AAGGGCAGGGCCACGGCAAATCCAGCCATATCCACAGGGAAGGGCCTGCTGGGCTCCCAT[G>A]CTGTGTGGAAGCCCACTACCCGGCCGTCCTGTACCTGAGGGCCCTCGAATCGCAGGCCGC-3'
Protein context (NP_036332.2, residues 232-252): QDGRVVGFHT[Ala242Val]WEPSRPFPVD